The following is an entry in ClinVar:

ClinVar aggregate classification (germline): Likely benign (1 of 4 stars; one submission).

Allele frequency attached by ClinVar (database versions not stated): ExAC 0.00035; ESP Exome Variant Server 0.00108; TOPMed 0.00110.
gnomAD v4.1: 288 of 1,614,182 alleles (0.018%); highest among the groups gnomAD compares: African/African-American, 0.32%; 1 homozygote.

Submission:

CeGaT Center for Human Genetics Tuebingen
Classification: Likely benign. Last evaluated: 2022-05-01. Review status: criteria provided, single submitter. Criteria: CeGaT Center For Human Genetics Tuebingen Variant Classification Criteria Version 2. Collection method: clinical testing. Allele origin: germline. Affected: yes. Observed: 1 variant allele.
Comment: P4HA2: BP4, BP7

NM_001017974.2(P4HA2):c.267G>T (p.Leu89=)

Gene: P4HA2 (prolyl 4-hydroxylase subunit alpha 2; minus strand). Cytogenetic location: 5q31.1.
Variant type: single nucleotide variant.
Coding change: c.267G>T on transcript NM_001017974.2 (MANE Select); coding-DNA position 267, G replaced by T.
Protein change: p.Leu89=; no amino-acid change (leucine 89 retained).
Molecular consequence: synonymous variant.
Genome position (GRCh38, 1-based): chr5:132,217,261, C>A on the plus strand (G>T on the coding strand, the complement: P4HA2 is on the minus strand). VCF-style: chr5-132217261-C-A. GRCh37 (hg19) VCF-style: chr5-131552954-C-A.
Other names: c.267G>T, p.Leu89= (NM_001017973.1, NM_001142598.2, NM_001142599.2 and 6 more transcripts).
Identifiers: ClinVar variation 2655693 (VCV002655693.24), dbSNP rs113860089, ClinGen allele CA3402777.